The following is an entry in ClinVar:

NM_006623.4(PHGDH):c.1079-2A>G

Gene: PHGDH (phosphoglycerate dehydrogenase; plus strand). Cytogenetic location: 1p12.
Variant type: single nucleotide variant.
Coding change: c.1079-2A>G on transcript NM_006623.4 (MANE Select); the canonical splice acceptor site of the intron before coding-DNA position 1079, A replaced by G.
Molecular consequence: splice acceptor variant.
Genome position (GRCh38, 1-based): chr1:119,741,765, A>G. VCF-style: chr1-119741765-A-G. GRCh37 (hg19) VCF-style: chr1-120284388-A-G.
Identifiers: ClinVar variation 1515773 (VCV001515773.8), dbSNP rs2101220673, ClinGen allele CA341852768.

ClinVar aggregate classification (germline): Likely pathogenic (1 of 4 stars; one submission).

Conditions:
PHGDH deficiency. Identifiers: Orphanet 79351, MedGen C1866174, MONDO:0011152, OMIM 601815.

Allele frequency attached by ClinVar (database versions not stated): gnomAD exomes below 0.00001.
gnomAD v4.1: 2 of 1,613,792 alleles (0.00012%); highest among the groups gnomAD compares: Non-Finnish European, 0.00017%; no homozygotes.

Submission:

Labcorp Genetics (formerly Invitae), Labcorp
Classification: Likely pathogenic for PHGDH deficiency. Last evaluated: 2021-06-28. Review status: criteria provided, single submitter. Criteria: Invitae Variant Classification Sherloc (09022015). Collection method: clinical testing. Allele origin: germline.
Comment: In summary, the currently available evidence indicates that the variant is pathogenic, but additional data are needed to prove that conclusively. Therefore, this variant has been classified as Likely Pathogenic. Algorithms developed to predict the effect of sequence changes on RNA splicing suggest that this variant may disrupt the consensus splice site, but this prediction has not been confirmed by published transcriptional studies. This variant has not been reported in the literature in individuals with PHGDH-related conditions. This variant is not present in population databases (ExAC no frequency). This sequence change affects an acceptor splice site in intron 9 of the PHGDH gene. It is expected to disrupt RNA splicing. Variants that disrupt the donor or acceptor splice site typically lead to a loss of protein function (PMID: 16199547), and loss-of-function variants in PHGDH are known to be pathogenic (PMID: 14645240, 24836451).

Literature cited by the submitters: PubMed 16199547; PubMed 14645240; PubMed 24836451.